The following is an entry in ClinVar:

NM_012123.4(MTO1):c.208G>A (p.Asp70Asn)

Gene: MTO1 (mitochondrial tRNA translation optimization 1; plus strand). Cytogenetic location: 6q13.
Variant type: single nucleotide variant.
Coding change: c.208G>A on transcript NM_012123.4 (MANE Select); coding-DNA position 208, G replaced by A.
Protein change: p.Asp70Asn; replaces aspartic acid 70 with asparagine.
Molecular consequence: missense variant.
Genome position (GRCh38, 1-based): chr6:73,462,062, G>A. VCF-style: chr6-73462062-G-A. GRCh37 (hg19) VCF-style: chr6-74171785-G-A.
Other names: c.208G>A, p.Asp70Asn (NM_001123226.2, NM_133645.3); short protein forms D70N.
Identifiers: ClinVar variation 1471682 (VCV001471682.6), dbSNP rs1346321637, ClinGen allele CA364712109.
Genomic context (GRCh38, chr6:73,462,062, plus strand): 5'-GAGGCAGCCACCGCCGCCGCTCGGTGCGGCTCTCGGACTCTGCTCCTCACTCACCGCGTG[G>A]ACACGATCGGTGAGGAGCGCGGGTGCTGTGGAACTTGGCGTAGGACGCAGGCTGCTTCCT-3'
Protein context (NP_036255.2, residues 60-80): SRTLLLTHRV[Asp70Asn]TIGQMSCNPS

ClinVar aggregate classification (germline): Uncertain significance (1 of 4 stars; one submission).

Conditions:
Mitochondrial hypertrophic cardiomyopathy with lactic acidosis due to MTO1 deficiency. Also called: CARDIOMYOPATHY, INFANTILE HYPERTROPHIC MITOCHONDRIAL, AND LACTIC ACIDOSIS; Combined oxidative phosphorylation deficiency 10. Identifiers: Orphanet 314637, MedGen C4749921, MONDO:0013865, OMIM 614702.

Allele frequency attached by ClinVar (database versions not stated): TOPMed below 0.00001; gnomAD 0.00001.
gnomAD v4.1: 1 of 1,613,388 alleles (0.000062%); highest among the groups gnomAD compares: Non-Finnish European, 0.000085%; no homozygotes.

Submission:

Labcorp Genetics (formerly Invitae), Labcorp
Classification: Uncertain significance for Mitochondrial hypertrophic cardiomyopathy with lactic acidosis due to MTO1 deficiency. Last evaluated: 2021-08-06. Review status: criteria provided, single submitter. Criteria: Invitae Variant Classification Sherloc (09022015). Collection method: clinical testing. Allele origin: germline.
Comment: In summary, the available evidence is currently insufficient to determine the role of this variant in disease. Therefore, it has been classified as a Variant of Uncertain Significance. Algorithms developed to predict the effect of missense changes on protein structure and function (SIFT, PolyPhen-2, Align-GVGD) all suggest that this variant is likely to be tolerated. This variant has not been reported in the literature in individuals affected with MTO1-related conditions. This variant is not present in population databases (ExAC no frequency). This sequence change replaces aspartic acid with asparagine at codon 70 of the MTO1 protein (p.Asp70Asn). The aspartic acid residue is weakly conserved and there is a small physicochemical difference between aspartic acid and asparagine.